The following is an entry in ClinVar:

ClinVar aggregate classification (germline): Benign/Likely benign. Review status: criteria provided, multiple submitters, no conflicts (2 of 4 stars). 5 submissions from 5 submitters: Benign (2); Likely benign (2). 1 of the submissions does not count toward it. Last evaluated 2025-10-07.

Conditions:
RAI1-related disorder. Also called: RAI1-related condition.
Inborn genetic diseases. Identifiers: MedGen C0950123, MeSH D030342.

Allele frequency attached by ClinVar (database versions not stated): gnomAD 0.00006 and 0.00012; TOPMed 0.00008; gnomAD exomes 0.00019; ExAC 0.00024; 1000 Genomes Project 30x 0.00062; 1000 Genomes Project 0.00080.
gnomAD v4.1: 267 of 1,613,844 alleles (0.017%); highest among the groups gnomAD compares: East Asian, 0.57%; 1 homozygote.

Submissions (5):

Labcorp Genetics (formerly Invitae), Labcorp
Classification: Benign. Last evaluated: 2025-10-07. Review status: criteria provided, single submitter. Criteria: Invitae Variant Classification Sherloc (09022015). Collection method: clinical testing. Allele origin: germline.

Blueprint Genetics
Classification: Likely benign. Last evaluated: 2024-02-01. Review status: criteria provided, single submitter. Criteria: ACMG Guidelines, 2015. Collection method: clinical testing. Allele origin: germline.

GeneDx
Classification: Benign. Last evaluated: 2020-12-15. Review status: criteria provided, single submitter. Criteria: GeneDx Variant Classification Process June 2021. Collection method: clinical testing. Allele origin: germline. Affected: yes.

Ambry Genetics
Classification: Likely benign for Inborn genetic diseases. Last evaluated: 2016-08-30. Review status: criteria provided, single submitter. Criteria: Ambry Variant Classification Scheme 2023. Collection method: clinical testing. Allele origin: germline.

PreventionGenetics, part of Exact Sciences
Classification: Likely benign for RAI1-related condition. Last evaluated: 2020-10-26. Review status: no assertion criteria provided. Collection method: clinical testing. Allele origin: germline. Not counted in ClinVar's aggregate classification.
Comment: This variant is classified as likely benign based on ACMG/AMP sequence variant interpretation guidelines (Richards et al. 2015 PMID: 25741868, with internal and published modifications).

NM_030665.4(RAI1):c.531G>A (p.Pro177=)

Gene: RAI1 (retinoic acid induced 1; plus strand). Cytogenetic location: 17p11.2.
Variant type: single nucleotide variant.
Coding change: c.531G>A on transcript NM_030665.4 (MANE Select); coding-DNA position 531, G replaced by A.
Protein change: p.Pro177=; no amino-acid change (proline 177 retained).
Molecular consequence: synonymous variant.
Genome position (GRCh38, 1-based): chr17:17,793,479, G>A. VCF-style: chr17-17793479-G-A. GRCh37 (hg19) VCF-style: chr17-17696793-G-A.
Identifiers: ClinVar variation 588205 (VCV000588205.19), dbSNP rs148993070, ClinGen allele CA8418144.
Genomic context (GRCh38, chr17:17,793,479, plus strand): 5'-TGCAGAGCAGGGCGCCCAGGTGCCCTTTCGGACTCACTCCCTGCACGTCCAGCAGCCACC[G>A]CCGCCCCAGCAGCCCCTGGCATACCCCAAGCTCCAAAGGCAGAAGCTGCAGAACGACATT-3'
Protein context (NP_109590.3, residues 167-187): RTHSLHVQQP[Pro177=]PPQQPLAYPK